The following continues an entry in ClinVar:

NM_138694.4(PKHD1):c.4870C>T (p.Arg1624Trp)

ClinVar aggregate classification (germline): Pathogenic/Likely pathogenic. Pathogenic (28); Likely pathogenic (6).

Submissions 13 to 32 of 40:

Fulgent Genetics
Classification: Pathogenic for Polycystic kidney disease 4. Last evaluated: 2024-05-13. Review status: criteria provided, single submitter. Criteria: ACMG Guidelines, 2015. Collection method: clinical testing. Allele origin: germline.

Genomic Medicine Center of Excellence, King Faisal Specialist Hospital and Research Centre
Classification: Likely pathogenic for Polycystic kidney disease 4. Last evaluated: 2024-02-11. Review status: criteria provided, single submitter. Criteria: ACMG Guidelines, 2015. Collection method: research. Allele origin: germline.

Laboratory of Medical Genetics, National & Kapodistrian University of Athens
Classification: Pathogenic for Polycystic kidney disease 4. Last evaluated: 2024-02-01. Review status: criteria provided, single submitter. Criteria: ACMG Guidelines, 2015. Collection method: curation. Allele origin: germline. Affected: no.

Daryl Scott Lab, Baylor College of Medicine
Classification: Pathogenic for Polycystic kidney disease 4. Last evaluated: 2024-01-01. Review status: criteria provided, single submitter. Criteria: ACMG Guidelines, 2015. Collection method: clinical testing. Allele origin: biparental. Affected: yes. Observed: 1 homozygote.
Comment: PS4, PM3_strong, PP3

SIB Swiss Institute of Bioinformatics
Classification: Pathogenic for Polycystic kidney disease 4. Last evaluated: 2023-12-06. Review status: criteria provided, single submitter. Criteria: ACMG Guidelines, 2015. Collection method: curation. Allele origin: unknown. Inheritance: Autosomal recessive inheritance.
Comment: This variant is interpreted as Pathogenic for Polycystic kidney disease, autosomal recessive. The following ACMG Tag(s) were applied: Absent from controls (or at extremely low frequency if recessive) in gnomAD (PM2 downgraded to supporting); For recessive disorders, detected in trans with a pathogenic variant (PM3 upgraded to very strong; PMID: 11898128, 12506140, 12874454, 15805161, 16133180, 25701400, 26695994); Multiple lines of computational evidence support a deleterious effect on the gene or gene product (PP3).

Laboratory of Molecular Diagnosis of Genetic Disease, Università degli Studi di Napoli Federico II
Classification: Likely pathogenic for Caroli disease. Last evaluated: 2021-05-05. Review status: criteria provided, single submitter. Criteria: ACMG Guidelines, 2015. Collection method: clinical testing. Allele origin: germline. Affected: yes. Observed: 2 variant alleles.

Laboratory of Molecular Genetics, Children's Memorial Health Institute
Classification: Likely pathogenic for Polycystic kidney disease 4. Last evaluated: 2020-09-25. Review status: criteria provided, single submitter. Criteria: ACMG Guidelines, 2015. Collection method: clinical testing. Allele origin: unknown. Inheritance: Autosomal recessive inheritance. Affected: yes. Observed: 1 compound heterozygote.

Myriad Genetics, Inc.
Classification: Pathogenic for Polycystic kidney disease 4. Last evaluated: 2019-12-26. Review status: criteria provided, single submitter. Criteria: Myriad Women's Health Autosomal Recessive and X-Linked Classification Criteria (2019). Collection method: clinical testing. Allele origin: unknown.
Comment: NM_138694.3(PKHD1):c.4870C>T(R1624W) is classified as pathogenic in the context of PKHD1-related autosomal recessive polycystic kidney disease. Sources cited for classification include the following: PMID 27225849, 16133180, 19914852 and 11898128. Classification of NM_138694.3(PKHD1):c.4870C>T(R1624W) is based on the following criteria: This is a well-established pathogenic variant in the literature that has been observed more frequently in patients with clinical diagnoses than in healthy populations. Please note: this variant was assessed in the context of healthy population screening.

Institute of Human Genetics Munich, TUM University Hospital
Classification: Pathogenic for Polycystic kidney disease 4. Last evaluated: 2019-06-07. Review status: criteria provided, single submitter. Criteria: Classification criteria August 2017. Collection method: clinical testing. Allele origin: inherited. Inheritance: Autosomal recessive inheritance. Affected: yes. Observed: 1 homozygote.

Cambridge Genomics Laboratory, East Genomic Laboratory Hub, NHS Genomic Medicine Service
Classification: Pathogenic for Renal cyst. Last evaluated: 2019-05-02. Review status: criteria provided, single submitter. Criteria: ACGS Best Practice Guidelines for Variant Classification in Rare Disease 2020. Collection method: clinical testing. Allele origin: germline. Affected: yes. Observed: 1 variant allele.

Department of Genetics, Sultan Qaboos University Hospital
Classification: Pathogenic for Polycystic kidney disease 4. Last evaluated: 2017-12-30. Review status: criteria provided, single submitter. Criteria: ACMG Guidelines, 2015. Collection method: clinical testing. Allele origin: unknown. Affected: yes.

CeGaT Center for Human Genetics Tuebingen
Classification: Pathogenic. Last evaluated: 2017-10-01. Review status: criteria provided, single submitter. Criteria: CeGaT Center For Human Genetics Tuebingen Variant Classification Criteria Version 2. Collection method: clinical testing. Allele origin: germline. Affected: yes. Observed: 1 variant allele.

Illumina Laboratory Services, Illumina
Classification: Pathogenic for Polycystic kidney disease 4. Last evaluated: 2017-09-08. Review status: criteria provided, single submitter. Criteria: ICSL Variant Classification Criteria 09 May 2019. Collection method: clinical testing. Allele origin: germline.
Comment: The p.Arg1624Trp variant was also identified in a heterozygous state in a total of four unaffected parents of individuals with ARPKD and was absent from 60 controls (Onuchic et al. 2002). The variant is reported at a frequency of 0.000464 in the Other population of the Genome Aggregation Database. Based on the collective evidence, the p.Arg1624Trp variant is classified as pathogenic for autosomal recessive polycystic kidney disease. This variant was observed by ICSL as part of a predisposition screen in an ostensibly healthy population.

Fulgent Genetics
Classification: Pathogenic for Polycystic kidney disease 4. Last evaluated: 2017-05-18. Review status: criteria provided, single submitter. Criteria: ACMG Guidelines, 2015. Collection method: clinical testing. Allele origin: unknown.

Eurofins Ntd Llc (ga)
Classification: Pathogenic. Last evaluated: 2017-04-17. Review status: criteria provided, single submitter. Criteria: EGL Classification Definitions 2015. Collection method: clinical testing. Allele origin: germline. Observed: 4 variant alleles, 2 heterozygotes, 2 homozygotes.

Centre for Mendelian Genomics, University Medical Centre Ljubljana
Classification: Pathogenic for Abnormal intrahepatic bile duct morphology. Last evaluated: 2017-01-01. Review status: criteria provided, single submitter. Criteria: ACMG Guidelines, 2015. Collection method: clinical testing. Allele origin: unknown. Affected: yes.

Women's Health and Genetics/Laboratory Corporation of America, LabCorp
Classification: Pathogenic for Autosomal recessive polycystic kidney disease. Last evaluated: 2016-07-08. Review status: criteria provided, single submitter. Criteria: LabCorp Variant Classification Summary - May 2015. Collection method: clinical testing. Allele origin: germline.
Comment: Variant summary: The PKHD1 c.4870C>T (p.Arg1624Trp) variant involves the alteration of a conserved nucleotide. 3/4 in silico tools predict a damaging outcome for this variant (SNPs&GO not functional for this variant). This variant was found in 22/121594 control chromosomes at a frequency of 0.0001809, which does not exceed the estimated maximal expected allele frequency of a pathogenic PKHD1 variant (0.0070711). This variant has been reported in at least 6 ARPKD patients in heterozygous or homozygous state (Obeidova_2015, Sharp_2005). In addition, multiple clinical diagnostic laboratories/reputable databases classified this variant as pathogenic. Taken together, this variant is classified as pathogenic.

Baylor Genetics
Classification: Pathogenic for Polycystic kidney disease 4. Review status: criteria provided, single submitter. Criteria: ACMG Guidelines, 2015. Collection method: clinical testing. Allele origin: germline.

Kariminejad - Najmabadi Pathology & Genetics Center
Classification: Pathogenic for Polycystic kidney disease 4. Review status: criteria provided, single submitter. Criteria: ACMG Guidelines, 2015. Collection method: clinical testing. Allele origin: germline. Affected: no.

Lifecell International Pvt. Ltd
Classification: Likely pathogenic for Polycystic kidney disease 4. Review status: criteria provided, single submitter. Criteria: ACMG Guidelines, 2015. Collection method: clinical testing. Allele origin: germline. Inheritance: Autosomal recessive inheritance. Affected: yes. Observed: 1 compound heterozygote.
Comment: A Heterozygous Missense variant c.4870C>T in Exon 32 of the PKHD1 gene that results in the amino acid substitution p.Arg1624Trp was identified. The observed variant has a maximum allele frequency of 0.00015/0.00003% in gnomAD exomes and genomes, respectively. The severity of the impact of this variant on the protein is medium, based on the effect of the protein and REVEL score. Rare Exome Variant Ensemble Learner (REVEL) is an ensembl method for predicting the pathogenicity of missense variants based on a combination of scores from 13 individual tools: MutPred, FATHMM v2.3, VEST 3.0, PolyPhen-2, SIFT, PROVEAN, MutationAssessor, MutationTaster, LRT, GERP++, SiPhy, phyloP, and phastCons. The REVEL score for an individual missense variant can range from 0 to 1, with higher scores reflecting greater likelihood that the variant is disease-causing. ClinVar has also classified this variant as [Pathogenic/Likely Pathogenic/Uncertain Significance] Conflicting Interpretations [Variation ID: 188369]. The observed variation has been observed in individual(s) with autosomal recessive polycystic kidney disease (Gunay-Aygun M, et.al., 2010). For these reasons, this variant has been classified as Likely Pathogenic.